The following is an entry in ClinVar:

NM_024408.4(NOTCH2):c.4394A>G (p.Asn1465Ser)

Gene: NOTCH2 (notch receptor 2; minus strand). Cytogenetic location: 1p12.
Variant type: single nucleotide variant.
Coding change: c.4394A>G on transcript NM_024408.4 (MANE Select); coding-DNA position 4394, A replaced by G.
Protein change: p.Asn1465Ser; replaces asparagine 1465 with serine.
Molecular consequence: missense variant.
Genome position (GRCh38, 1-based): chr1:119,925,422, T>C on the plus strand (A>G on the coding strand, the complement: NOTCH2 is on the minus strand). VCF-style: chr1-119925422-T-C. GRCh37 (hg19) VCF-style: chr1-120468045-T-C.
Other names: short protein forms N1465S.
Identifiers: ClinVar variation 289193 (VCV000289193.8), dbSNP rs886044112, ClinGen allele CA10606363.

ClinVar aggregate classification (germline): Uncertain significance. Review status: criteria provided, multiple submitters, no conflicts (2 of 4 stars). 3 submissions from 3 submitters: Uncertain significance (3). Last evaluated 2024-02-20.

Conditions:
Alagille syndrome due to a NOTCH2 point mutation. Also called: Alagille syndrome 2. Identifiers: Orphanet 261629, Orphanet 52, MedGen C1857761, MONDO:0012439, OMIM 610205.
Hajdu-Cheney syndrome (HJCYS). Also called: ACROOSTEOLYSIS WITH OSTEOPOROSIS AND CHANGES IN SKULL AND MANDIBLE; Acroosteolysis dominant type; SERPENTINE FIBULA-POLYCYSTIC KIDNEY SYNDROME. Identifiers: Orphanet 955, MedGen C0917715, MONDO:0007057, OMIM 102500.

Allele frequency attached by ClinVar (database versions not stated): gnomAD below 0.00001 and 0.00001; gnomAD exomes below 0.00001.
gnomAD v4.1: 6 of 1,614,028 alleles (0.00037%); highest among the groups gnomAD compares: South Asian, 0.0044%; no homozygotes.

Submissions (3):

Labcorp Genetics (formerly Invitae), Labcorp
Classification: Uncertain significance for Hajdu-Cheney syndrome. Last evaluated: 2024-02-20. Review status: criteria provided, single submitter. Criteria: Invitae Variant Classification Sherloc (09022015). Collection method: clinical testing. Allele origin: germline.
Comment: This sequence change replaces asparagine, which is neutral and polar, with serine, which is neutral and polar, at codon 1465 of the NOTCH2 protein (p.Asn1465Ser). This variant is present in population databases (no rsID available, gnomAD 0.003%). This variant has not been reported in the literature in individuals affected with NOTCH2-related conditions. ClinVar contains an entry for this variant (Variation ID: 289193). Advanced modeling of protein sequence and biophysical properties (such as structural, functional, and spatial information, amino acid conservation, physicochemical variation, residue mobility, and thermodynamic stability) performed at Invitae indicates that this missense variant is not expected to disrupt NOTCH2 protein function with a negative predictive value of 80%. In summary, the available evidence is currently insufficient to determine the role of this variant in disease. Therefore, it has been classified as a Variant of Uncertain Significance.

Fulgent Genetics
Classification: Uncertain significance for Hajdu-Cheney syndrome; Alagille syndrome due to a NOTCH2 point mutation. Last evaluated: 2021-09-28. Review status: criteria provided, single submitter. Criteria: ACMG Guidelines, 2015. Collection method: clinical testing. Allele origin: unknown.

Eurofins Ntd Llc (ga)
Classification: Uncertain significance. Last evaluated: 2016-06-30. Review status: criteria provided, single submitter. Criteria: EGL Classification Definitions 2015. Collection method: clinical testing. Allele origin: germline. Observed: 1 variant allele, 1 heterozygote.